The following is an entry in ClinVar:

ClinVar aggregate classification (germline): Uncertain significance (1 of 4 stars; one submission).

Allele frequency attached by ClinVar (database versions not stated): gnomAD exomes below 0.00001 and 0.00001; ExAC 0.00001.

Submission:

Labcorp Genetics (formerly Invitae), Labcorp
Classification: Uncertain significance. Last evaluated: 2021-11-21. Review status: criteria provided, single submitter. Criteria: Invitae Variant Classification Sherloc (09022015). Collection method: clinical testing. Allele origin: germline.
Comment: This variant is present in population databases (rs757757965, gnomAD 0.0009%). This sequence change replaces proline, which is neutral and non-polar, with serine, which is neutral and polar, at codon 520 of the ARMC9 protein (p.Pro520Ser). This variant has not been reported in the literature in individuals affected with ARMC9-related conditions. In summary, the available evidence is currently insufficient to determine the role of this variant in disease. Therefore, it has been classified as a Variant of Uncertain Significance. Experimental studies and prediction algorithms are not available or were not evaluated, and the functional significance of this variant is currently unknown.

NM_001352754.2(ARMC9):c.1558C>T (p.Pro520Ser)

Gene: ARMC9 (armadillo repeat containing 9; plus strand). Cytogenetic location: 2q37.1.
Variant type: single nucleotide variant.
Coding change: c.1558C>T on transcript NM_001352754.2 (MANE Select); coding-DNA position 1558, C replaced by T.
Protein change: p.Pro520Ser; replaces proline 520 with serine.
Molecular consequence: missense variant. On other transcripts: non-coding transcript variant (1).
Genome position (GRCh38, 1-based): chr2:231,282,065, C>T. VCF-style: chr2-231282065-C-T. GRCh37 (hg19) VCF-style: chr2-232146778-C-T.
Other names: c.1558C>T, p.Pro520Ser (NM_001271466.4, NM_001291656.2, NM_001352755.2 and 3 more transcripts); c.1459C>T, p.Pro487Ser (NM_001352757.2, NM_001352758.2); short protein forms P520S, P487S.
Identifiers: ClinVar variation 1490151 (VCV001490151.6), dbSNP rs757757965, ClinGen allele CA2160393.
Genomic context (GRCh38, chr2:231,282,065, plus strand): 5'-GTTGTGCAGTATTTGAAAACTTGCAAATAACTGGTTTTTTTCCTCCCCTTAAAGATACAG[C>T]CGTATGTGAATGGAGCTCTGTACAGCATCCTTTCTGTTCCATCCATTCGTGAGGAAGCAA-3'
Protein context (NP_001339683.2, residues 510-530): LLGHENHEIQ[Pro520Ser]YVNGALYSIL